The following is an entry in ClinVar:

NM_005876.5(SPEG):c.7478G>C (p.Arg2493Thr)

Genes: ASIC4-AS1 (ASIC4 antisense RNA 1; minus strand), SPEG (striated muscle enriched protein kinase; plus strand). Cytogenetic location: 2q35.
Variant type: single nucleotide variant.
Coding change: c.7478G>C on transcript NM_005876.5 (MANE Select); coding-DNA position 7478, G replaced by C.
Protein change: p.Arg2493Thr; replaces arginine 2493 with threonine.
Molecular consequence: missense variant.
Genome position (GRCh38, 1-based): chr2:219,484,941, G>C. VCF-style: chr2-219484941-G-C. GRCh37 (hg19) VCF-style: chr2-220349663-G-C.
Other names: short protein forms R2493T.
Identifiers: ClinVar variation 2629982 (VCV002629982.1), dbSNP rs2545949317, ClinGen allele CA350702694.
Genomic context (GRCh38, chr2:219,484,941, plus strand): 5'-GCAGCGAGGACTCGGGGGGCGCGTCGGGCCGCAGCACGCCGCTGTTCGGACGGCTTCGCA[G>C]GGCCACGTCCGAGGGCGAGAGTCTGCGGCGCCTTGGCCTTCCGCACAACCAGTTGGCCGC-3'
Protein context (NP_005867.3, residues 2483-2503): RSTPLFGRLR[Arg2493Thr]ATSEGESLRR

ClinVar aggregate classification (germline): Uncertain significance (1 of 4 stars; one submission).

Conditions:
SPEG-related disorder. Also called: SPEG-related condition.

gnomAD v4.1: 2 of 1,529,232 alleles (0.00013%); highest among the groups gnomAD compares: East Asian, 0.0049%; no homozygotes.

Submission:

PreventionGenetics, part of Exact Sciences
Classification: Uncertain significance for SPEG-related condition. Last evaluated: 2022-12-21. Review status: criteria provided, single submitter. Criteria: ACMG Guidelines, 2015. Collection method: clinical testing. Allele origin: germline.
Comment: The SPEG c.7478G>C variant is predicted to result in the amino acid substitution p.Arg2493Thr. To our knowledge, this variant has not been reported in the literature or in a large population database, indicating this variant is rare. At this time, the clinical significance of this variant is uncertain due to the absence of conclusive functional and genetic evidence.